The following is an entry in ClinVar:

NM_000059.4(BRCA2):c.7459G>T (p.Ala2487Ser)

Gene: BRCA2 (BRCA2 DNA repair associated; plus strand). Cytogenetic location: 13q13.1.
Variant type: single nucleotide variant.
Coding change: c.7459G>T on transcript NM_000059.4 (MANE Select); coding-DNA position 7459, G replaced by T.
Protein change: p.Ala2487Ser; replaces alanine 2487 with serine.
Molecular consequence: missense variant.
Genome position (GRCh38, 1-based): chr13:32,356,451, G>T. VCF-style: chr13-32356451-G-T. GRCh37 (hg19) VCF-style: chr13-32930588-G-T.
Other names: short protein forms A2487S.
Identifiers: ClinVar variation 462439 (VCV000462439.9), dbSNP rs1555286223, ClinGen allele CA387743127.
Genomic context (GRCh38, chr13:32,356,451, plus strand): 5'-TCAATTTTATTTTTGCTAAGTATTTATTCTTTGATAGATTTAATTACAAGTCTTCAGAAT[G>T]CCAGAGATATACAGGATATGCGAATTAAGAAGAAACAAAGGCAACGCGTCTTTCCACAGC-3'
Protein context (NP_000050.3, residues 2477-2497): PLDLITSLQN[Ala2487Ser]RDIQDMRIKK

ClinVar aggregate classification (germline): Uncertain significance (1 of 4 stars; one submission).

Conditions:
Hereditary breast ovarian cancer syndrome. Also called: Hereditary breast and ovarian cancer syndrome (HBOC); Hereditary breast and ovarian cancer syndrome; Breast and ovarian cancer; Hereditary breast and/or ovarian cancer syndrome; Hereditary breast and ovarian cancer; BRCA1- and BRCA2-Associated Hereditary Breast and Ovarian Cancer. Identifiers: Orphanet 145, MedGen C0677776, MeSH D061325, MONDO:0003582. Disease mechanism: loss of function.

Submission:

Labcorp Genetics (formerly Invitae), Labcorp
Classification: Uncertain significance for Hereditary breast ovarian cancer syndrome. Last evaluated: 2017-04-04. Review status: criteria provided, single submitter. Criteria: Invitae Variant Classification Sherloc (09022015). Collection method: clinical testing. Allele origin: germline.
Comment: In summary, this variant is a novel missense change with uncertain impact on protein function. It has been classified as a Variant of Uncertain Significance. Algorithms developed to predict the effect of missense changes on protein structure and function do not agree on the potential impact of this missense change (SIFT: "Tolerated"; PolyPhen-2: "Probably Damaging"; Align-GVGD: "Class C0"). This variant is not present in population databases (ExAC no frequency) and has not been reported in the literature in individuals with a BRCA2-related disease. This sequence change replaces alanine with serine at codon 2487 of the BRCA2 protein (p.Ala2487Ser). The alanine residue is highly conserved and there is a moderate physicochemical difference between alanine and serine.